The following is an entry in ClinVar:

ClinVar aggregate classification (germline): Likely benign. Review status: criteria provided, multiple submitters, no conflicts (2 of 4 stars). 3 submissions from 3 submitters: Likely benign (3). Last evaluated 2025-10-01.

Allele frequency attached by ClinVar (database versions not stated): 1000 Genomes Project 0.00080; 1000 Genomes Project 30x 0.00125; ESP Exome Variant Server 0.00167; gnomAD 0.00195 and 0.00199; TOPMed 0.00197.
gnomAD v4.1: 4,260 of 1,614,144 alleles (0.26%); highest among the groups gnomAD compares: Middle Eastern, 0.61%; 17 homozygotes.

Submissions (3):

CeGaT Center for Human Genetics Tuebingen
Classification: Likely benign. Last evaluated: 2025-10-01. Review status: criteria provided, single submitter. Criteria: CeGaT Center For Human Genetics Tuebingen Variant Classification Criteria Version 2. Collection method: clinical testing. Allele origin: germline. Affected: yes. Observed: 1 variant allele.
Comment: MCC: BP4, BS2

Labcorp Genetics (formerly Invitae), Labcorp
Classification: Likely benign. Last evaluated: 2019-12-31. Review status: criteria provided, single submitter. Criteria: Invitae Variant Classification Sherloc (09022015). Collection method: clinical testing. Allele origin: germline.

Breakthrough Genomics
Classification: Likely benign. Review status: criteria provided, single submitter. Criteria: ACMG Guidelines, 2015. Collection method: not provided. Allele origin: germline. Inheritance: Autosomal dominant inheritance. Affected: yes.

NM_001085377.2(MCC):c.547G>A (p.Ala183Thr)

Gene: MCC (MCC regulator of Wnt signaling pathway; minus strand). Cytogenetic location: 5q22.2.
Variant type: single nucleotide variant.
Coding change: c.547G>A on transcript NM_001085377.2 (MANE Select); coding-DNA position 547, G replaced by A.
Protein change: p.Ala183Thr; replaces alanine 183 with threonine.
Molecular consequence: missense variant.
Genome position (GRCh38, 1-based): chr5:113,340,599, C>T on the plus strand (G>A on the coding strand, the complement: MCC is on the minus strand). VCF-style: chr5-113340599-C-T. GRCh37 (hg19) VCF-style: chr5-112676296-C-T.
Other names: short protein forms A183T.
Identifiers: ClinVar variation 728543 (VCV000728543.12), dbSNP rs75148264, ClinGen allele CA3370733.